The following is an entry in ClinVar:

ClinVar aggregate classification (germline): Uncertain significance (1 of 4 stars; one submission).

Submission:

Clinical Genomics Laboratory, Laboratory for Precision Diagnostics, University of Washington
Classification: Uncertain significance. Last evaluated: 2022-09-25. Review status: criteria provided, single submitter. Criteria: ACMG/ClinGen CNV Guidelines, 2019. Collection method: clinical testing. Allele origin: maternal. Affected: yes. Observed: 1 variant allele.
Comment: The deletion is approximately 119 kb in size and affects three protein-coding genes: FRK, NT5DC1, and COL10A1. Several heterozygous COL10A1 variants, including nonsense and frameshift variants, have been found in people with Schmid-type metaphyseal chondrodysplasia (MCDS), a skeletal dysplasia that results in bowed legs and mild to moderate short stature primarily due to shortened long bones. The changes in the hip and leg bones may lead to a distinctive waddling gait. However, it remains unclear whether the mechanism of disease is haploinsufficiency or if the variants have a dominant-negative effect on trimerization of the collagen protein, and there is evidence supporting both. PMID: 20872587 suggest that complete loss of function of one copy of COL10A1 results in a later onset of symptoms, while variants affecting collagen formation cause a more typical, earlier onset of clinical features. In addition, a case report showed a much larger deletion of 6q21q22.1 containing many genes including FRK and COL10A1 in a patient with developmental delay, intellectual disability, microcephaly, facial dysmorphisms, skeletal, muscle, and brain anomalies (PMID: 26052347). A review of public databases shows no deletions of COL10A1 in the Database of Genomic Variants. One exonic deletion of COL10A1 appears in gnomAD, seen in 2 out of 21,694 alleles. This same deletion also appears in ClinVar (VCV001409703.1), classified in September 2021 as a variant of uncertain significance. ClinVar also contains a 79.1 kb deletion overlapping with the one detected in this patient and encompassing the entirety of COL10A1 (VCV001527279.1). It was found in a person with hypotonia, intellectual disability, and global developmental delay and was classified in March 2022 as a variant of uncertain significance. COL10A1 is not predicted to be haploinsufficent by any current model.

Literature cited by the submitters: PubMed 20872587; PubMed 26052347.

GRCh38/hg38 6q22.1(chr6:116050467-116169675)x1

Genes: NT5DC1 (5'-nucleotidase domain containing 1; plus strand), COL10A1 (collagen type X alpha 1 chain; minus strand), FRK (fyn related Src family tyrosine kinase; minus strand), LOC129997030 (ATAC-STARR-seq lymphoblastoid active region 24979; plus strand), LOC129997031 (ATAC-STARR-seq lymphoblastoid active region 24980; plus strand) and 8 more. Cytogenetic location: 6q22.1.
Variant type: copy number loss.
Change: copy number 1 (one copy instead of two) of chr6:116,050,467-116,169,675 (119.2 kb, GRCh38 coordinates, 1-based), cytogenetic band 6q22.1.
Identifiers: ClinVar variation 4852031 (VCV004852031.1).